The following is an entry in ClinVar:

NM_001010874.5(TECRL):c.457G>C (p.Gly153Arg)

Gene: TECRL (trans-2,3-enoyl-CoA reductase like; minus strand). Cytogenetic location: 4q13.1.
Variant type: single nucleotide variant.
Coding change: c.457G>C on transcript NM_001010874.5 (MANE Select); coding-DNA position 457, G replaced by C.
Protein change: p.Gly153Arg; replaces glycine 153 with arginine.
Molecular consequence: missense variant.
Genome position (GRCh38, 1-based): chr4:64,314,742, C>G on the plus strand (G>C on the coding strand, the complement: TECRL is on the minus strand). VCF-style: chr4-64314742-C-G. GRCh37 (hg19) VCF-style: chr4-65180460-C-G.
Other names: c.457G>C, p.Gly153Arg (NM_001363796.1); short protein forms G153R.
Identifiers: ClinVar variation 2449406 (VCV002449406.2), dbSNP rs560825472, ClinGen allele CA2935519.

ClinVar aggregate classification (germline): Uncertain significance (1 of 4 stars; one submission).

Conditions:
Cardiovascular phenotype. Identifiers: MedGen CN230736.

Allele frequency attached by ClinVar (database versions not stated): gnomAD exomes below 0.00001; ExAC 0.00001; gnomAD 0.00001; 1000 Genomes Project 30x 0.00016; 1000 Genomes Project 0.00020.

Submission:

Ambry Genetics
Classification: Uncertain significance for Cardiovascular phenotype. Last evaluated: 2022-11-10. Review status: criteria provided, single submitter. Criteria: Ambry Variant Classification Scheme 2023. Collection method: clinical testing. Allele origin: germline.
Comment: The p.G153R variant (also known as c.457G>C), located in coding exon 5 of the TECRL gene, results from a G to C substitution at nucleotide position 457. The glycine at codon 153 is replaced by arginine, an amino acid with dissimilar properties. This amino acid position is conserved. In addition, this alteration is predicted to be deleterious by in silico analysis. Since supporting evidence is limited at this time, the clinical significance of this alteration remains unclear.